The following is an entry in ClinVar:

NM_000038.6(APC):c.8053A>T (p.Ser2685Cys)

Gene: APC (APC regulator of Wnt signaling pathway; plus strand). Cytogenetic location: 5q22.2.
Variant type: single nucleotide variant.
Coding change: c.8053A>T on transcript NM_000038.6 (MANE Select); coding-DNA position 8053, A replaced by T.
Protein change: p.Ser2685Cys; replaces serine 2685 with cysteine.
Molecular consequence: missense variant.
Genome position (GRCh38, 1-based): chr5:112,843,647, A>T. VCF-style: chr5-112843647-A-T. GRCh37 (hg19) VCF-style: chr5-112179344-A-T.
Other names: c.8053A>T, p.Ser2685Cys (NM_001127510.3, NM_001354895.2); c.7999A>T, p.Ser2667Cys (NM_001127511.3); c.8107A>T, p.Ser2703Cys (NM_001354896.2); c.8083A>T, p.Ser2695Cys (NM_001354897.2); c.7978A>T, p.Ser2660Cys (NM_001354898.2); c.7969A>T, p.Ser2657Cys (NM_001354899.2); c.7930A>T, p.Ser2644Cys (NM_001354900.2); c.7876A>T, p.Ser2626Cys (NM_001354901.2); and 6 more; short protein forms S2402C, S2525C, S2559C, S2584C, S2594C, S2626C, S2644C, S2657C.
Identifiers: ClinVar variation 1059411 (VCV001059411.11), dbSNP rs1426438755, ClinGen allele CA16038817.
Genomic context (GRCh38, chr5:112,843,647, plus strand): 5'-CCCATTAACAATCCTAGATCTGGAAGATCTCCCACAGGTAATACTCCCCCGGTGATTGAC[A>T]GTGTTTCAGAAAAGGCAAATCCAAACATTAAAGATTCAAAAGATAATCAGGCAAAACAAA-3'
Protein context (NP_000029.2, residues 2675-2695): PTGNTPPVID[Ser2685Cys]VSEKANPNIK

ClinVar aggregate classification (germline): Uncertain significance. Review status: criteria provided, multiple submitters, no conflicts (2 of 4 stars). 2 submissions from 2 submitters: Uncertain significance (2). Last evaluated 2025-01-01.

Conditions:
Familial adenomatous polyposis 1 (FAP1). Also called: FAMILIAL ADENOMATOUS POLYPOSIS 1, ATTENUATED; POLYPOSIS, ADENOMATOUS INTESTINAL. Identifiers: MedGen C2713442, MONDO:0021056, OMIM 175100. Disease mechanism: loss of function.

Allele frequency attached by ClinVar (database versions not stated): gnomAD exomes below 0.00001.
gnomAD v4.1: 2 of 1,613,904 alleles (0.00012%); highest among the groups gnomAD compares: African/African-American, 0.0013%; no homozygotes.

Submissions (2):

Labcorp Genetics (formerly Invitae), Labcorp
Classification: Uncertain significance for Familial adenomatous polyposis 1. Last evaluated: 2025-01-01. Review status: criteria provided, single submitter. Criteria: Invitae Variant Classification Sherloc (09022015). Collection method: clinical testing. Allele origin: germline.
Comment: This sequence change replaces serine, which is neutral and polar, with cysteine, which is neutral and slightly polar, at codon 2685 of the APC protein (p.Ser2685Cys). This variant is present in population databases (no rsID available, gnomAD no frequency). This variant has not been reported in the literature in individuals affected with APC-related conditions. ClinVar contains an entry for this variant (Variation ID: 1059411). Invitae Evidence Modeling of protein sequence and biophysical properties (such as structural, functional, and spatial information, amino acid conservation, physicochemical variation, residue mobility, and thermodynamic stability) indicates that this missense variant is not expected to disrupt APC protein function with a negative predictive value of 95%. In summary, the available evidence is currently insufficient to determine the role of this variant in disease. Therefore, it has been classified as a Variant of Uncertain Significance.

GeneDx
Classification: Uncertain significance. Last evaluated: 2024-05-05. Review status: criteria provided, single submitter. Criteria: GeneDx Variant Classification Process June 2021. Collection method: clinical testing. Allele origin: germline. Affected: yes.
Comment: Not observed at significant frequency in large population cohorts (gnomAD); In silico analysis indicates that this missense variant does not alter protein structure/function; Has not been previously published as pathogenic or benign to our knowledge; This variant is associated with the following publications: (PMID: 18199528)